The following is an entry in ClinVar:

NM_000374.5(UROD):c.780C>G (p.Ile260Met)

Gene: UROD (uroporphyrinogen decarboxylase; plus strand). Cytogenetic location: 1p34.1.
Variant type: single nucleotide variant.
Coding change: c.780C>G on transcript NM_000374.5 (MANE Select); coding-DNA position 780, C replaced by G.
Protein change: p.Ile260Met; replaces isoleucine 260 with methionine.
Molecular consequence: missense variant. On other transcripts: non-coding transcript variant (3).
Genome position (GRCh38, 1-based): chr1:45,014,741, C>G. VCF-style: chr1-45014741-C-G. GRCh37 (hg19) VCF-style: chr1-45480413-C-G.
Other names: short protein forms I260M.
Identifiers: ClinVar variation 4691988 (VCV004691988.1).

ClinVar aggregate classification (germline): Uncertain significance (1 of 4 stars; one submission).

Submission:

Labcorp Genetics (formerly Invitae), Labcorp
Classification: Uncertain significance. Last evaluated: 2026-01-16. Review status: criteria provided, single submitter. Criteria: Invitae Variant Classification Sherloc (09022015). Collection method: clinical testing. Allele origin: germline.
Comment: This sequence change replaces isoleucine, which is neutral and non-polar, with methionine, which is neutral and non-polar, at codon 260 of the UROD protein (p.Ile260Met). This variant is present in population databases (rs751378883, gnomAD 0.04%). This variant has not been reported in the literature in individuals affected with UROD-related conditions. Invitae Evidence Modeling of protein sequence and biophysical properties (such as structural, functional, and spatial information, amino acid conservation, physicochemical variation, residue mobility, and thermodynamic stability) indicates that this missense variant is not expected to disrupt UROD protein function with a negative predictive value of 80%. In summary, the available evidence is currently insufficient to determine the role of this variant in disease. Therefore, it has been classified as a Variant of Uncertain Significance.